The following is an entry in ClinVar:

NM_012470.4(TNPO3):c.250G>A (p.Ala84Thr)

Gene: TNPO3 (transportin 3; minus strand). Cytogenetic location: 7q32.1.
Variant type: single nucleotide variant.
Coding change: c.250G>A on transcript NM_012470.4 (MANE Select); coding-DNA position 250, G replaced by A.
Protein change: p.Ala84Thr; replaces alanine 84 with threonine.
Molecular consequence: missense variant. On other transcripts: non-coding transcript variant (18).
Genome position (GRCh38, 1-based): chr7:129,018,028, C>T on the plus strand (G>A on the coding strand, the complement: TNPO3 is on the minus strand). VCF-style: chr7-129018028-C-T. GRCh37 (hg19) VCF-style: chr7-128658082-C-T.
Other names: c.250G>A, p.Ala84Thr (NM_001191028.3, NM_001382216.1, NM_001382217.1 and 6 more transcripts); short protein forms A84T.
Identifiers: ClinVar variation 972526 (VCV000972526.10), dbSNP rs766350344, ClinGen allele CA369248568.

ClinVar aggregate classification (germline): Uncertain significance (1 of 4 stars; one submission).

Conditions:
Autosomal dominant limb-girdle muscular dystrophy type 1F (LGMDD2). Also called: Limb-girdle muscular dystrophy, type 1F; MUSCULAR DYSTROPHY, LIMB-GIRDLE, AUTOSOMAL DOMINANT 2. Identifiers: Orphanet 55595, MedGen C1842062, MONDO:0012034, OMIM 608423.

Allele frequency attached by ClinVar (database versions not stated): TOPMed 0.00002.
gnomAD v4.1: 2 of 1,614,138 alleles (0.00012%); highest among the groups gnomAD compares: East Asian, 0.0045%; no homozygotes.

Submission:

Labcorp Genetics (formerly Invitae), Labcorp
Classification: Uncertain significance for Autosomal dominant limb-girdle muscular dystrophy type 1F. Last evaluated: 2022-08-10. Review status: criteria provided, single submitter. Criteria: Invitae Variant Classification Sherloc (09022015). Collection method: clinical testing. Allele origin: germline.
Comment: In summary, the available evidence is currently insufficient to determine the role of this variant in disease. Therefore, it has been classified as a Variant of Uncertain Significance. Algorithms developed to predict the effect of missense changes on protein structure and function (SIFT, PolyPhen-2, Align-GVGD) all suggest that this variant is likely to be tolerated. ClinVar contains an entry for this variant (Variation ID: 972526). This variant has not been reported in the literature in individuals affected with TNPO3-related conditions. This variant is not present in population databases (gnomAD no frequency). This sequence change replaces alanine, which is neutral and non-polar, with threonine, which is neutral and polar, at codon 84 of the TNPO3 protein (p.Ala84Thr).